The following is an entry in ClinVar:

ClinVar aggregate classification (germline): Likely benign. Review status: criteria provided, multiple submitters, no conflicts (2 of 4 stars). 3 submissions from 3 submitters: Likely benign (2). 1 of the submissions does not count toward it. Last evaluated 2025-10-06.

Conditions:
Inborn genetic diseases. Identifiers: MedGen C0950123, MeSH D030342.

Allele frequency attached by ClinVar (database versions not stated): gnomAD 0.00001; gnomAD exomes 0.00001 and 0.00002; TOPMed 0.00001; ExAC 0.00002; 1000 Genomes Project 0.00020; 1000 Genomes Project 30x 0.00031.
gnomAD v4.1: 23 of 1,614,092 alleles (0.0014%); highest among the groups gnomAD compares: East Asian, 0.011%; no homozygotes.

Submissions (3):

Labcorp Genetics (formerly Invitae), Labcorp
Classification: Likely benign. Last evaluated: 2025-10-06. Review status: criteria provided, single submitter. Criteria: Invitae Variant Classification Sherloc (09022015). Collection method: clinical testing. Allele origin: germline.

Ambry Genetics
Classification: Likely benign for Inborn genetic diseases. Last evaluated: 2024-01-17. Review status: criteria provided, single submitter. Criteria: Ambry Variant Classification Scheme 2023. Collection method: clinical testing. Allele origin: germline.

Department of Pathology and Laboratory Medicine, Sinai Health System
Classification: Uncertain significance. Review status: no assertion criteria provided. Collection method: clinical testing. Allele origin: unknown. Affected: yes. Study: The Canadian Open Genetics Repository (COGR). Not counted in ClinVar's aggregate classification.
Comment: The COL7A1 p.Val211Ile variant was not identified in the literature nor was it identified in ClinVar or LOVD 3.0. The variant was identified in dbSNP (ID: rs557797952) and Cosmic (FATHMM prediction: pathogenic; score=0.7). The variant was also identified in control databases in 4 of 251358 chromosomes at a frequency of 0.000016 (Genome Aggregation Database Feb 27, 2017). The variant was observed in the following populations: East Asian in 3 of 18392 chromosomes (freq: 0.000163) and South Asian in 1 of 30606 chromosomes (freq: 0.000033), but was not observed in the African, Latino, Ashkenazi Jewish, European (Finnish), European (non-Finnish) or Other populations. The p.Val211 residue is not conserved in mammals and computational analyses (PolyPhen-2, SIFT, AlignGVGD, BLOSUM, MutationTaster) do not suggest a high likelihood of impact to the protein; however, this information is not predictive enough to rule out pathogenicity. The variant occurs outside of the splicing consensus sequence and in silico or computational prediction software programs (SpliceSiteFinder, MaxEntScan, NNSPLICE, GeneSplicer) do not predict a difference in splicing. In summary, based on the above information the clinical significance of this variant cannot be determined with certainty at this time. This variant is classified as a variant of uncertain significance.

NM_000094.4(COL7A1):c.631G>A (p.Val211Ile)

Gene: COL7A1 (collagen type VII alpha 1 chain; minus strand). Cytogenetic location: 3p21.31.
Variant type: single nucleotide variant.
Coding change: c.631G>A on transcript NM_000094.4 (MANE Select); coding-DNA position 631, G replaced by A.
Protein change: p.Val211Ile; replaces valine 211 with isoleucine.
Molecular consequence: missense variant.
Genome position (GRCh38, 1-based): chr3:48,593,153, C>T on the plus strand (G>A on the coding strand, the complement: COL7A1 is on the minus strand). VCF-style: chr3-48593153-C-T. GRCh37 (hg19) VCF-style: chr3-48630586-C-T.
Other names: c.631G>A (NM_000094.3); short protein forms V211I.
Identifiers: ClinVar variation 1050768 (VCV001050768.7), dbSNP rs557797952, ClinGen allele CA2381498.